The following is an entry in ClinVar:

ClinVar aggregate classification (germline): Conflicting classifications of pathogenicity. Review status: criteria provided, conflicting classifications (1 of 4 stars). 5 submissions from 5 submitters: Uncertain significance (4); Likely benign (1). Last evaluated 2026-04-14.

Conditions:
Cardiovascular phenotype. Identifiers: MedGen CN230736.
ACTN2-related disorder. Also called: ACTN2-related disorders; ACTN2 related condition.
Dilated cardiomyopathy 1AA (CMD1AA). Also called: CARDIOMYOPATHY, DILATED, 1AA, WITH OR WITHOUT LEFT VENTRICULAR NONCOMPACTION; CARDIOMYOPATHY, FAMILIAL HYPERTROPHIC, 23, WITH OR WITHOUT LEFT VENTRICULAR NONCOMPACTION; Cardiomyopathy, dilated, 1AA, with or without LVNC. Identifiers: Orphanet 154, MedGen C2677338, MONDO:0012808, OMIM 612158.
Primary familial hypertrophic cardiomyopathy (HCM). Identifiers: Orphanet 99739, MedGen C0949658, MeSH D024741, MONDO:0024573. Inheritance: Various modes of inheritance.

Allele frequency attached by ClinVar (database versions not stated): ExAC 0.00002; gnomAD 0.00002; gnomAD exomes 0.00002 and 0.00003; TOPMed 0.00003.
gnomAD v4.1: 46 of 1,613,770 alleles (0.0029%); highest among the groups gnomAD compares: South Asian, 0.0055%; no homozygotes.

Submissions (5):

PreventionGenetics, part of Exact Sciences
Classification: Uncertain significance for ACTN2-related condition. Last evaluated: 2026-04-14. Review status: criteria provided, single submitter. Criteria: ACMG Guidelines, 2015. Collection method: clinical testing. Allele origin: germline.
Comment: The ACTN2 c.895C>T variant is predicted to result in the amino acid substitution p.Arg299Cys. This variant has been reported in a cohort of individuals presenting with dilated cardiomyopathy, however additional information was not provided (Table S7, Mazzarotto et al. 2020. PubMed ID: 31983221). This variant is reported in 0.0080% of alleles in individuals of African descent in gnomAD. At this time, the clinical significance of this variant is uncertain due to the absence of conclusive functional and genetic evidence.

GeneDx
Classification: Uncertain significance. Last evaluated: 2026-01-22. Review status: criteria provided, single submitter. Criteria: GeneDx Variant Classification Process June 2021. Collection method: clinical testing. Allele origin: germline. Affected: yes.
Comment: Has not been previously published as pathogenic or benign to our knowledge; Not observed at significant frequency in large population cohorts (gnomAD); In silico analysis supports that this missense variant has a deleterious effect on protein structure/function

Labcorp Genetics (formerly Invitae), Labcorp
Classification: Likely benign for Primary familial hypertrophic cardiomyopathy; Dilated cardiomyopathy 1AA. Last evaluated: 2025-12-10. Review status: criteria provided, single submitter. Criteria: Invitae Variant Classification Sherloc (09022015). Collection method: clinical testing. Allele origin: germline.

Ambry Genetics
Classification: Uncertain significance for Cardiovascular phenotype. Last evaluated: 2025-08-24. Review status: criteria provided, single submitter. Criteria: Ambry Variant Classification Scheme 2023. Collection method: clinical testing. Allele origin: germline.
Comment: The p.R299C variant (also known as c.895C>T), located in coding exon 10 of the ACTN2 gene, results from a C to T substitution at nucleotide position 895. The arginine at codon 299 is replaced by cysteine, an amino acid with highly dissimilar properties. This variant has been detected in an individual from a dilated cardiomyopathy genetic testing cohort (Mazzarotto F et al. Circulation, 2020 Feb;141:387-398). This amino acid position is highly conserved in available vertebrate species. In addition, this alteration is predicted to be deleterious by in silico analysis. Since supporting evidence is limited at this time, the clinical significance of this alteration remains unclear.

Laboratory for Molecular Medicine, Mass General Brigham Personalized Medicine
Classification: Uncertain significance. Last evaluated: 2015-03-11. Review status: criteria provided, single submitter. Criteria: LMM Criteria. Collection method: clinical testing. Allele origin: germline. Observed: 1 variant allele.
Comment: The p.Arg299Cys variant in ACTN2 has not been previously reported in individuals with cardiomyopathy and was absent from large population studies. Computational prediction tools and conservation analysis suggest that the Arg299Cys variant m ay impact the protein, though this information is not predictive enough to deter mine pathogenicity. In summary, the clinical significance of the Arg299Cys varia nt is uncertain.

Literature cited by the submitters: PubMed 31983221 (cited by Ambry Genetics).

NM_001103.4(ACTN2):c.895C>T (p.Arg299Cys)

Gene: ACTN2 (actinin alpha 2; plus strand). Cytogenetic location: 1q43.
Variant type: single nucleotide variant.
Coding change: c.895C>T on transcript NM_001103.4 (MANE Select); coding-DNA position 895, C replaced by T.
Protein change: p.Arg299Cys; replaces arginine 299 with cysteine.
Molecular consequence: missense variant.
Genome position (GRCh38, 1-based): chr1:236,739,320, C>T. VCF-style: chr1-236739320-C-T. GRCh37 (hg19) VCF-style: chr1-236902620-C-T.
Other names: c.895C>T, p.Arg299Cys (NM_001278343.2); c.271C>T, p.Arg91Cys (NM_001278344.2); c.895C>T (NM_001103.3); short protein forms R299C, R91C.
Identifiers: ClinVar variation 228438 (VCV000228438.19), dbSNP rs779109533, ClinGen allele CA1473001.